The following is an entry in ClinVar:

ClinVar aggregate classification (germline): Conflicting classifications of pathogenicity. Review status: criteria provided, conflicting classifications (1 of 4 stars). 4 submissions from 4 submitters: Likely pathogenic (2); Uncertain significance (2). Last evaluated 2025-07-01.

Conditions:
Mucopolysaccharidosis, MPS-IV-A (MPS4A). Also called: Mucopolysaccharidosis type IV A; Mucopolysaccharidosis Type IVA; Morquio syndrome A, mild; MORQUIO SYNDROME A; MPS IVA; mucopolysaccharidosis type 4A. Identifiers: Orphanet 309297, Orphanet 582, MedGen C0086651, MONDO:0009659, OMIM 253000.

Allele frequency attached by ClinVar (database versions not stated): TOPMed 0.00002; ExAC 0.00001; gnomAD 0.00001; gnomAD exomes 0.00001.
gnomAD v4.1: 13 of 1,613,916 alleles (0.00081%); highest among the groups gnomAD compares: East Asian, 0.011%; no homozygotes.

Submissions (4):

Women's Health and Genetics/Laboratory Corporation of America, LabCorp
Classification: Uncertain significance. Last evaluated: 2025-07-01. Review status: criteria provided, single submitter. Criteria: LabCorp Variant Classification Summary - May 2015. Collection method: clinical testing. Allele origin: germline.
Comment: Variant summary: GALNS c.638C>T (p.Ala213Val) results in a non-conservative amino acid change in the encoded protein sequence. Algorithms developed to predict the effect of missense changes on protein structure and function all suggest that this variant is likely to be disruptive. The variant allele was found at a frequency of 8e-06 in 251226 control chromosomes. The available data on variant occurrences in the general population are insufficient to allow any conclusion about variant significance. c.638C>T has been observed in individuals Mucopolysaccharidosis Type IVA (Morquio Syndrome A) as a compound heterozygous genotype or heterozygous genotype without detected second variant (e.g. Zanetti_2021). These data do not allow any conclusion about variant significance. To our knowledge, no experimental evidence demonstrating an impact on protein function has been reported. The following publication has been ascertained in the context of this evaluation (PMID: 34387910). ClinVar contains an entry for this variant (Variation ID: 1048468). Based on the evidence outlined above, the variant was classified as uncertain significance.

Labcorp Genetics (formerly Invitae), Labcorp
Classification: Likely pathogenic for Mucopolysaccharidosis, MPS-IV-A. Last evaluated: 2025-06-29. Review status: criteria provided, single submitter. Criteria: Invitae Variant Classification Sherloc (09022015). Collection method: clinical testing. Allele origin: germline.
Comment: This sequence change replaces alanine, which is neutral and non-polar, with valine, which is neutral and non-polar, at codon 213 of the GALNS protein (p.Ala213Val). This variant is present in population databases (rs770239604, gnomAD 0.02%). This missense change has been observed in individual(s) with mucopolysaccharidosis type IVA (PMID: 34387910). ClinVar contains an entry for this variant (Variation ID: 1048468). Invitae Evidence Modeling of protein sequence and biophysical properties (such as structural, functional, and spatial information, amino acid conservation, physicochemical variation, residue mobility, and thermodynamic stability) indicates that this missense variant is expected to disrupt GALNS protein function with a positive predictive value of 95%. In summary, the currently available evidence indicates that the variant is pathogenic, but additional data are needed to prove that conclusively. Therefore, this variant has been classified as Likely Pathogenic.

Fulgent Genetics
Classification: Likely pathogenic for Mucopolysaccharidosis, MPS-IV-A. Last evaluated: 2024-03-30. Review status: criteria provided, single submitter. Criteria: ACMG Guidelines, 2015. Collection method: clinical testing. Allele origin: germline.

Laboratory of Diagnosis and Therapy of Lysosomal Disorders, University of Padova
Classification: Uncertain significance for Mucopolysaccharidosis, MPS-IV-A. Last evaluated: 2021-02-01. Review status: criteria provided, single submitter. Criteria: ACMG Guidelines, 2015. Collection method: research. Allele origin: germline.
Comment: The prevalence of the variant in affected individuals is significantly increased compared with the prevalence in controls (PS4_moderate); very low frequency in gnomAD v2.1.1 (PM2_moderate); multiple lines of computational evidence support a deleterious effect on the gene (PP3_supporting)

Literature cited by the submitters: PubMed 34387910 (cited by 3 submitters).

NM_000512.5(GALNS):c.638C>T (p.Ala213Val)

Gene: GALNS (galactosamine (N-acetyl)-6-sulfatase; minus strand). Cytogenetic location: 16q24.3.
Variant type: single nucleotide variant.
Coding change: c.638C>T on transcript NM_000512.5 (MANE Select); coding-DNA position 638, C replaced by T.
Protein change: p.Ala213Val; replaces alanine 213 with valine.
Molecular consequence: missense variant.
Genome position (GRCh38, 1-based): chr16:88,835,845, G>A on the plus strand (C>T on the coding strand, the complement: GALNS is on the minus strand). VCF-style: chr16-88835845-G-A. GRCh37 (hg19) VCF-style: chr16-88902253-G-A.
Other names: c.83C>T, p.Ala28Val (NM_001323543.2); c.656C>T, p.Ala219Val (NM_001323544.2); short protein forms A213V, A219V, A28V.
Identifiers: ClinVar variation 1048468 (VCV001048468.12), dbSNP rs770239604, ClinGen allele CA8235041.